The following is an entry in ClinVar:

NM_004046.6(ATP5F1A):c.228T>C (p.Ser76=)

Gene: ATP5F1A (ATP synthase F1 subunit alpha; minus strand). Cytogenetic location: 18q21.1.
Variant type: single nucleotide variant.
Coding change: c.228T>C on transcript NM_004046.6 (MANE Select); coding-DNA position 228, T replaced by C.
Protein change: p.Ser76=; no amino-acid change (serine 76 retained).
Molecular consequence: synonymous variant.
Genome position (GRCh38, 1-based): chr18:46,091,763, A>G on the plus strand (T>C on the coding strand, the complement: ATP5F1A is on the minus strand). VCF-style: chr18-46091763-A-G. GRCh37 (hg19) VCF-style: chr18-43671729-A-G.
Other names: c.78T>C, p.Ser26= (NM_001001935.3, NM_001257335.2); c.228T>C, p.Ser76= (NM_001001937.2, NM_001257334.2).
Identifiers: ClinVar variation 512107 (VCV000512107.9), dbSNP rs187219829, ClinGen allele CA8950864.
Genomic context (GRCh38, chr18:46,091,763, plus strand): 5'-TACCATTTCTTCTGCTTGAACATTCCTCAGCCCATGTACGCGGGCAATACCATCACCAAT[A>G]CTTAAGACACGCCCAGTTTCTTCAAGATCAACAGAGGTATCAGCTCCAAGAATACGCTCT-3'
Protein context (NP_004037.1, residues 66-86): VDLEETGRVL[Ser76=]IGDGIARVHG

ClinVar aggregate classification (germline): Likely benign. Review status: criteria provided, multiple submitters, no conflicts (2 of 4 stars). 2 submissions from 2 submitters: Likely benign (2). Last evaluated 2025-10-21.

Allele frequency attached by ClinVar (database versions not stated): ExAC 0.00004; ESP Exome Variant Server 0.00008; TOPMed 0.00008; gnomAD 0.00010; 1000 Genomes Project 30x 0.00016; 1000 Genomes Project 0.00020.
gnomAD v4.1: 86 of 1,613,970 alleles (0.0053%); highest among the groups gnomAD compares: African/African-American, 0.019%; no homozygotes.

Submissions (2):

Labcorp Genetics (formerly Invitae), Labcorp
Classification: Likely benign. Last evaluated: 2025-10-21. Review status: criteria provided, single submitter. Criteria: Invitae Variant Classification Sherloc (09022015). Collection method: clinical testing. Allele origin: germline.

GeneDx
Classification: Likely benign. Last evaluated: 2017-10-02. Review status: criteria provided, single submitter. Criteria: GeneDx Variant Classification (06012015). Collection method: clinical testing. Allele origin: germline. Affected: yes.
Comment: This variant is considered likely benign or benign based on one or more of the following criteria: it is a conservative change, it occurs at a poorly conserved position in the protein, it is predicted to be benign by multiple in silico algorithms, and/or has population frequency not consistent with disease.